The following is an entry in ClinVar:

ClinVar aggregate classification (germline): Uncertain significance (1 of 4 stars; one submission).

Submission:

Labcorp Genetics (formerly Invitae), Labcorp
Classification: Uncertain significance. Last evaluated: 2025-08-14. Review status: criteria provided, single submitter. Criteria: Invitae Variant Classification Sherloc (09022015). Collection method: clinical testing. Allele origin: germline.
Comment: This sequence change replaces arginine, which is basic and polar, with tryptophan, which is neutral and slightly polar, at codon 102 of the ALPK1 protein (p.Arg102Trp). This variant is present in population databases (rs778659546, gnomAD 0.04%). This variant has not been reported in the literature in individuals affected with ALPK1-related conditions. ClinVar contains an entry for this variant (Variation ID: 3004952). Invitae Evidence Modeling of protein sequence and biophysical properties (such as structural, functional, and spatial information, amino acid conservation, physicochemical variation, residue mobility, and thermodynamic stability) indicates that this missense variant is not expected to disrupt ALPK1 protein function with a negative predictive value of 80%. In summary, the available evidence is currently insufficient to determine the role of this variant in disease. Therefore, it has been classified as a Variant of Uncertain Significance.

NM_025144.4(ALPK1):c.304C>T (p.Arg102Trp)

Gene: ALPK1 (alpha kinase 1; plus strand). Cytogenetic location: 4q25.
Variant type: single nucleotide variant.
Coding change: c.304C>T on transcript NM_025144.4 (MANE Select); coding-DNA position 304, C replaced by T.
Protein change: p.Arg102Trp; replaces arginine 102 with tryptophan.
Molecular consequence: missense variant.
Genome position (GRCh38, 1-based): chr4:112,411,854, C>T. VCF-style: chr4-112411854-C-T. GRCh37 (hg19) VCF-style: chr4-113333010-C-T.
Other names: c.304C>T, p.Arg102Trp (NM_001102406.2); c.70C>T, p.Arg24Trp (NM_001253884.2); short protein forms R24W, R102W.
Identifiers: ClinVar variation 3004952 (VCV003004952.3), dbSNP rs778659546, ClinGen allele CA3046330.
Genomic context (GRCh38, chr4:112,411,854, plus strand): 5'-CCTGGCTCACGATGTTCCACGCTGTTCCTCCAGGCGTCCCTGAGGGCCTCCATCCTCGCT[C>T]GGGACTGTGCGGCTGCGGCGGCTATTGTGTTCTTGGTGGACCGGTTCCTGTATGGGCTCG-3'
Protein context (NP_079420.3, residues 92-112): LASLRASILA[Arg102Trp]DCAAAAAIVF